The following is an entry in ClinVar:

NM_014849.5(SV2A):c.1650A>G (p.Thr550=)

Gene: SV2A (synaptic vesicle glycoprotein 2A; minus strand). Cytogenetic location: 1q21.2.
Variant type: single nucleotide variant.
Coding change: c.1650A>G on transcript NM_014849.5 (MANE Select); coding-DNA position 1650, A replaced by G.
Protein change: p.Thr550=; no amino-acid change (threonine 550 retained).
Molecular consequence: synonymous variant.
Genome position (GRCh38, 1-based): chr1:149,907,728, T>C on the plus strand (A>G on the coding strand, the complement: SV2A is on the minus strand). VCF-style: chr1-149907728-T-C. GRCh37 (hg19) VCF-style: chr1-149879280-T-C.
Other names: c.1650A>G, p.Thr550= (NM_001328674.2, NM_001328675.2).
Identifiers: ClinVar variation 4872760 (VCV004872760.2).

ClinVar aggregate classification (germline): Likely benign (1 of 4 stars; one submission).

gnomAD v4.1: 25 of 1,614,046 alleles (0.0015%); highest among the groups gnomAD compares: Non-Finnish European, 0.0021%; no homozygotes.

Submission:

CeGaT Center for Human Genetics Tuebingen
Classification: Likely benign. Last evaluated: 2026-05-01. Review status: criteria provided, single submitter. Criteria: CeGaT Center For Human Genetics Tuebingen Variant Classification Criteria Version 2. Collection method: clinical testing. Allele origin: germline. Affected: yes. Observed: 1 variant allele.
Comment: SV2A: BP4, BP7